The following is an entry in ClinVar:

ClinVar aggregate classification (germline): Likely benign (1 of 4 stars; one submission).

Submission:

CeGaT Center for Human Genetics Tuebingen
Classification: Likely benign. Last evaluated: 2025-10-01. Review status: criteria provided, single submitter. Criteria: CeGaT Center For Human Genetics Tuebingen Variant Classification Criteria Version 2. Collection method: clinical testing. Allele origin: germline. Affected: yes. Observed: 1 variant allele.
Comment: SIN3A: PM2:Supporting, BP4, BP7

NM_001145358.2(SIN3A):c.1095C>T (p.Leu365=)

Gene: SIN3A (SIN3 transcription regulator family member A; minus strand). Cytogenetic location: 15q24.2.
Variant type: single nucleotide variant.
Coding change: c.1095C>T on transcript NM_001145358.2 (MANE Select); coding-DNA position 1095, C replaced by T.
Protein change: p.Leu365=; no amino-acid change (leucine 365 retained).
Molecular consequence: synonymous variant.
Genome position (GRCh38, 1-based): chr15:75,410,200, G>A on the plus strand (C>T on the coding strand, the complement: SIN3A is on the minus strand). VCF-style: chr15-75410200-G-A. GRCh37 (hg19) VCF-style: chr15-75702541-G-A.
Other names: c.1095C>T, p.Leu365= (NM_001145357.2, NM_001437462.1, NM_001437463.1 and 1 more transcripts).
Identifiers: ClinVar variation 4535032 (VCV004535032.6).